The following is an entry in ClinVar:

NM_016816.4(OAS1):c.889G>A (p.Val297Met)

Gene: OAS1 (2'-5'-oligoadenylate synthetase 1; plus strand). Cytogenetic location: 12q24.13.
Variant type: single nucleotide variant.
Coding change: c.889G>A on transcript NM_016816.4 (MANE Select); coding-DNA position 889, G replaced by A.
Protein change: p.Val297Met; replaces valine 297 with methionine.
Molecular consequence: missense variant. On other transcripts: non-coding transcript variant (9).
Genome position (GRCh38, 1-based): chr12:112,917,551, G>A. VCF-style: chr12-112917551-G-A. GRCh37 (hg19) VCF-style: chr12-113355356-G-A.
Other names: c.889G>A, p.Val297Met (NM_001032409.3, NM_001320151.2, NM_001406022.1 and 1 more transcripts); c.865G>A, p.Val289Met (NM_001406020.1, NM_001406021.1, NM_001406023.1 and 2 more transcripts); c.415G>A, p.Val139Met (NM_001406026.1, NM_001406027.1, NM_001406029.1 and 1 more transcripts); short protein forms V297M, V139M, V289M.
Identifiers: ClinVar variation 3660895 (VCV003660895.2).
Genomic context (GRCh38, chr12:112,917,551, plus strand): 5'-CTCCCTAGACAGAGCCCCAGCTTCTCACCTGTCCCTCTCTAAATGCTGCTCTGCAGGCCT[G>A]TGATCCTGGACCCGGCGGACCCTACAGGAAACTTGGGTGGTGGAGACCCAAAGGGTTGGA-3'
Protein context (NP_058132.2, residues 287-307): LRRQLTKPRP[Val297Met]ILDPADPTGN

ClinVar aggregate classification (germline): Uncertain significance (1 of 4 stars; one submission).

gnomAD v4.1: 1 of 1,614,152 alleles (0.000062%); highest among the groups gnomAD compares: Non-Finnish European, 0.000085%; no homozygotes.

Submission:

Labcorp Genetics (formerly Invitae), Labcorp
Classification: Uncertain significance. Last evaluated: 2024-08-05. Review status: criteria provided, single submitter. Criteria: Invitae Variant Classification Sherloc (09022015). Collection method: clinical testing. Allele origin: germline.
Comment: This sequence change replaces valine, which is neutral and non-polar, with methionine, which is neutral and non-polar, at codon 297 of the OAS1 protein (p.Val297Met). This variant is not present in population databases (gnomAD no frequency). This variant has not been reported in the literature in individuals affected with OAS1-related conditions. An algorithm developed to predict the effect of missense changes on protein structure and function (PolyPhen-2) suggests that this variant is likely to be disruptive. In summary, the available evidence is currently insufficient to determine the role of this variant in disease. Therefore, it has been classified as a Variant of Uncertain Significance.